The following is an entry in ClinVar:

ClinVar aggregate classification (germline): Uncertain significance (0 of 4 stars; one submission).

Conditions:
SPAG1-related disorder. Also called: SPAG1-related condition.

gnomAD v4.1: 2 of 1,611,428 alleles (0.00012%); highest among the groups gnomAD compares: African/African-American, 0.0013%; no homozygotes.

Submission:

PreventionGenetics, part of Exact Sciences
Classification: Uncertain significance for SPAG1-related condition. Last evaluated: 2024-09-05. Review status: no assertion criteria provided. Collection method: clinical testing. Allele origin: germline.
Comment: The SPAG1 c.802G>A variant is predicted to result in the amino acid substitution p.Val268Ile. To our knowledge, this variant has not been reported in the literature. This variant is reported in 0.0040% of alleles in individuals of African descent in gnomAD. At this time, the clinical significance of this variant is uncertain due to the absence of conclusive functional and genetic evidence.

NM_003114.5(SPAG1):c.802G>A (p.Val268Ile)

Gene: SPAG1 (sperm associated antigen 1; plus strand). Cytogenetic location: 8q22.2.
Variant type: single nucleotide variant.
Coding change: c.802G>A on transcript NM_003114.5 (MANE Select); coding-DNA position 802, G replaced by A.
Protein change: p.Val268Ile; replaces valine 268 with isoleucine.
Molecular consequence: missense variant.
Genome position (GRCh38, 1-based): chr8:100,187,220, G>A. VCF-style: chr8-100187220-G-A. GRCh37 (hg19) VCF-style: chr8-101199448-G-A.
Other names: c.802G>A, p.Val268Ile (NM_001374321.1, NM_172218.3); short protein forms V268I.
Identifiers: ClinVar variation 3354190 (VCV003354190.1).